The following is an entry in ClinVar:

NM_006516.4(SLC2A1):c.727G>T (p.Glu243Ter)

Gene: SLC2A1 (solute carrier family 2 member 1; minus strand). Cytogenetic location: 1p34.2.
Variant type: single nucleotide variant.
Coding change: c.727G>T on transcript NM_006516.4 (MANE Select); coding-DNA position 727, G replaced by T.
Protein change: p.Glu243Ter; replaces glutamic acid 243 with a stop codon.
Molecular consequence: nonsense.
Genome position (GRCh38, 1-based): chr1:42,929,733, C>A on the plus strand (G>T on the coding strand, the complement: SLC2A1 is on the minus strand). VCF-style: chr1-42929733-C-A. GRCh37 (hg19) VCF-style: chr1-43395404-C-A.
Other names: short protein forms E243*.
Identifiers: ClinVar variation 2733882 (VCV002733882.3), dbSNP rs2524992657, ClinGen allele CA339958100.

ClinVar aggregate classification (germline): Pathogenic (1 of 4 stars; one submission).

Conditions:
GLUT1 deficiency syndrome 1, autosomal recessive. Identifiers: MedGen C3149117.

Submission:

Labcorp Genetics (formerly Invitae), Labcorp
Classification: Pathogenic for GLUT1 deficiency syndrome 1, autosomal recessive. Last evaluated: 2023-10-29. Review status: criteria provided, single submitter. Criteria: Invitae Variant Classification Sherloc (09022015). Collection method: clinical testing. Allele origin: germline.
Comment: This sequence change creates a premature translational stop signal (p.Glu243*) in the SLC2A1 gene. It is expected to result in an absent or disrupted protein product. Loss-of-function variants in SLC2A1 are known to be pathogenic (PMID: 21832227, 26193382). This variant is not present in population databases (gnomAD no frequency). This premature translational stop signal has been observed in individual(s) with clinical features of autosomal dominant SLC2A1-related conditions (PMID: 20129935, 33258288). For these reasons, this variant has been classified as Pathogenic.

Literature cited by the submitters: PubMed 21832227; PubMed 26193382; PubMed 20129935; PubMed 33258288.